The following is an entry in ClinVar:

ClinVar aggregate classification (germline): Uncertain significance (1 of 4 stars; one submission).

Conditions:
Cardiovascular phenotype. Identifiers: MedGen CN230736.

Submission:

Ambry Genetics
Classification: Uncertain significance for Cardiovascular phenotype. Last evaluated: 2026-07-17. Review status: criteria provided, single submitter. Criteria: Ambry Variant Classification Scheme 2023. Collection method: clinical testing. Allele origin: germline.
Comment: The p.L53Q variant (also known as c.158T>A), located in coding exon 5 of the TNNI3 gene, results from a T to A substitution at nucleotide position 158. The leucine at codon 53 is replaced by glutamine, an amino acid with dissimilar properties. This amino acid position is conserved. In addition, this alteration is predicted to be deleterious by in silico analysis. Based on the available evidence, the clinical significance of this variant remains unclear.

NM_000363.5(TNNI3):c.158T>A (p.Leu53Gln)

Gene: TNNI3 (troponin I3, cardiac type; minus strand). Cytogenetic location: 19q13.42.
Variant type: single nucleotide variant.
Coding change: c.158T>A on transcript NM_000363.5 (MANE Select); coding-DNA position 158, T replaced by A.
Protein change: p.Leu53Gln; replaces leucine 53 with glutamine.
Molecular consequence: missense variant.
Genome position (GRCh38, 1-based): chr19:55,156,325, A>T on the plus strand (T>A on the coding strand, the complement: TNNI3 is on the minus strand). VCF-style: chr19-55156325-A-T. GRCh37 (hg19) VCF-style: chr19-55667693-A-T.
Other names: short protein forms L53Q.
Identifiers: ClinVar variation 5030977 (VCV005030977.1).
Genomic context (GRCh38, chr19:55,156,325, plus strand): 5'-CCCTTCTCTCCGCGCCGCTCCTCCGCCTCTCGCTCCAGCTCTTGCTTTGCAATCTGCAGC[A>T]GCAGAGTCTGCAGAGGGGTGGGAGGGAAGCGCAGCCCACCCGGGGCTTCAGGATAAAGAC-3'
Protein context (NP_000354.4, residues 43-63): ASRKLQLKTL[Leu53Gln]LQIAKQELER